The following is an entry in ClinVar:

NM_020365.5(EIF2B3):c.28G>C (p.Val10Leu)

Gene: EIF2B3 (eukaryotic translation initiation factor 2B subunit gamma; minus strand). Cytogenetic location: 1p34.1.
Variant type: single nucleotide variant.
Coding change: c.28G>C on transcript NM_020365.5 (MANE Select); coding-DNA position 28, G replaced by C.
Protein change: p.Val10Leu; replaces valine 10 with leucine.
Molecular consequence: missense variant.
Genome position (GRCh38, 1-based): chr1:44,981,141, C>G on the plus strand (G>C on the coding strand, the complement: EIF2B3 is on the minus strand). VCF-style: chr1-44981141-C-G. GRCh37 (hg19) VCF-style: chr1-45446813-C-G.
Other names: c.28G>C, p.Val10Leu (NM_001166588.3, NM_001261418.2); short protein forms V10L.
Identifiers: ClinVar variation 3366624 (VCV003366624.1).
Genomic context (GRCh38, chr1:44,981,141, plus strand): 5'-CTGGAAGCAGAGGTTTGGGAATGCTGGAAGTTAGGTCTGTCATCCGAGATCCTCCACCTA[C>G]TGCCATCACTACTGCTTGAAATTCCATTTTTACAAACTGCAAGTACAGAAAAAACAATTA-3'
Protein context (NP_065098.1, residues 1-20): MEFQAVVMA[Val10Leu]GGGSRMTDLT

ClinVar aggregate classification (germline): Uncertain significance (1 of 4 stars; one submission).

Submission:

Women's Health and Genetics/Laboratory Corporation of America, LabCorp
Classification: Uncertain significance. Last evaluated: 2024-08-23. Review status: criteria provided, single submitter. Criteria: LabCorp Variant Classification Summary - May 2015. Collection method: clinical testing. Allele origin: germline.
Comment: Variant summary: EIF2B3 c.28G>C (p.Val10Leu) results in a conservative amino acid change located in the Nucleotidyl transferase domain (IPR005835) of the encoded protein sequence. Three of five in-silico tools predict a damaging effect of the variant on protein function. The variant was absent in 251466 control chromosomes. The available data on variant occurrences in the general population are insufficient to allow any conclusion about variant significance. c.28G>C has been reported in the literature in at least one compound heterozygous individual affected with Leukoencephalopathy With Vanishing White Matter (e.g. Deng_2021). These data do not currently allow any conclusion about variant significance. To our knowledge, no experimental evidence demonstrating an impact on protein function has been reported. The following publication has been ascertained in the context of this evaluation (PMID: 34745209). No submitters have cited clinical-significance assessments for this variant to ClinVar. Based on the evidence outlined above, the variant was classified as uncertain significance.

Literature cited by the submitters: PubMed 34745209.